The following is an entry in ClinVar:

ClinVar aggregate classification (germline): Uncertain significance. Review status: criteria provided, multiple submitters, no conflicts (2 of 4 stars). 2 submissions from 2 submitters: Uncertain significance (2). Last evaluated 2026-03-13.

Conditions:
Hereditary hemorrhagic telangiectasia (HHT). Also called: ORW DISEASE; Osler Weber Rendu syndrome; OSLER-RENDU-WEBER DISEASE; Osler hemorrhagic telangiectasia syndrome. Identifiers: Orphanet 774, MedGen C0039445, MONDO:0019180. Disease mechanism: loss of function.
Cardiovascular phenotype. Identifiers: MedGen CN230736.

Allele frequency attached by ClinVar (database versions not stated): gnomAD exomes below 0.00001; TOPMed below 0.00001; ExAC 0.00001.

Submissions (2):

Ambry Genetics
Classification: Uncertain significance for Cardiovascular phenotype. Last evaluated: 2026-03-13. Review status: criteria provided, single submitter. Criteria: Ambry Variant Classification Scheme 2023. Collection method: clinical testing. Allele origin: germline.
Comment: The p.S167I variant (also known as c.500G>T), located in coding exon 4 of the ENG gene, results from a G to T substitution at nucleotide position 500. The serine at codon 167 is replaced by isoleucine, an amino acid with dissimilar properties. This amino acid position is conserved. In addition, this alteration is predicted to be tolerated by in silico analysis. Based on the available evidence, the clinical significance of this variant remains unclear.

Labcorp Genetics (formerly Invitae), Labcorp
Classification: Uncertain significance for Hereditary hemorrhagic telangiectasia. Last evaluated: 2021-09-24. Review status: criteria provided, single submitter. Criteria: Invitae Variant Classification Sherloc (09022015). Collection method: clinical testing. Allele origin: germline.
Comment: This sequence change replaces serine with isoleucine at codon 167 of the ENG protein (p.Ser167Ile). The serine residue is moderately conserved and there is a large physicochemical difference between serine and isoleucine. This variant is present in population databases (rs755988915, ExAC 0.01%). This variant has not been reported in the literature in individuals affected with ENG-related conditions. Advanced modeling of protein sequence and biophysical properties (such as structural, functional, and spatial information, amino acid conservation, physicochemical variation, residue mobility, and thermodynamic stability) performed at Invitae indicates that this missense variant is not expected to disrupt ENG protein function. In summary, the available evidence is currently insufficient to determine the role of this variant in disease. Therefore, it has been classified as a Variant of Uncertain Significance.

NM_001114753.3(ENG):c.500G>T (p.Ser167Ile)

Gene: ENG (endoglin; minus strand). Cytogenetic location: 9q34.11.
Variant type: single nucleotide variant.
Coding change: c.500G>T on transcript NM_001114753.3 (MANE Select); coding-DNA position 500, G replaced by T.
Protein change: p.Ser167Ile; replaces serine 167 with isoleucine.
Molecular consequence: missense variant. On other transcripts: 5 prime UTR variant (1).
Genome position (GRCh38, 1-based): chr9:127,826,533, C>A on the plus strand (G>T on the coding strand, the complement: ENG is on the minus strand). VCF-style: chr9-127826533-C-A. GRCh37 (hg19) VCF-style: chr9-130588812-C-A.
Other names: c.500G>T, p.Ser167Ile (NM_000118.4, NM_001406715.1); c.-47G>T (NM_001278138.2); c.500G>T (NM_001114753.1); short protein forms S167I.
Identifiers: ClinVar variation 1420066 (VCV001420066.8), dbSNP rs755988915, ClinGen allele CA5253117.
Genomic context (GRCh38, chr9:127,826,533, plus strand): 5'-GTATCATGAGCCCAGAGAGGTTGCTGGGGAAACTGACCTTGGCCCAGTCGGAGGAGGATG[C>A]TCTGGGGGTCATTCAGCTCAGCAGCAGAGGTGATGGGGCCCCTCTCAGCTGCCCACTCAA-3'
Protein context (NP_001108225.1, residues 157-177): TSAAELNDPQ[Ser167Ile]ILLRLGQAQG